The following is an entry in ClinVar:

ClinVar aggregate classification (germline): Conflicting classifications of pathogenicity. Review status: criteria provided, conflicting classifications (1 of 4 stars). 3 submissions from 3 submitters: Uncertain significance (2); Likely benign (1). Last evaluated 2026-08-06.

Conditions:
SCO2-related disorder. Also called: SCO2-related condition.
Inborn genetic diseases. Identifiers: MedGen C0950123, MeSH D030342.

Allele frequency attached by ClinVar (database versions not stated): TOPMed 0.00001; gnomAD 0.00002; ExAC 0.00003; ESP Exome Variant Server 0.00008.
gnomAD v4.1: 36 of 1,613,126 alleles (0.0022%); highest among the groups gnomAD compares: Middle Eastern, 0.033%; no homozygotes.

Submissions (3):

PreventionGenetics, part of Exact Sciences
Classification: Uncertain significance for SCO2-related condition. Last evaluated: 2026-08-06. Review status: criteria provided, single submitter. Criteria: ACMG Guidelines, 2015. Collection method: clinical testing. Allele origin: germline.
Comment: The SCO2 c.335G>A variant is predicted to result in the amino acid substitution p.Arg112Gln. To our knowledge, this variant has not been reported in the literature. This variant is present in 0.0098% of alleles in individuals of South Asian descent in gnomAD. At this time, the clinical significance of this variant is uncertain due to the absence of conclusive functional and genetic evidence.

Ambry Genetics
Classification: Likely benign for Inborn genetic diseases. Last evaluated: 2023-02-10. Review status: criteria provided, single submitter. Criteria: Ambry Variant Classification Scheme 2023. Collection method: clinical testing. Allele origin: germline.

Labcorp Genetics (formerly Invitae), Labcorp
Classification: Uncertain significance. Last evaluated: 2022-10-24. Review status: criteria provided, single submitter. Criteria: Invitae Variant Classification Sherloc (09022015). Collection method: clinical testing. Allele origin: germline.
Comment: This sequence change replaces arginine, which is basic and polar, with glutamine, which is neutral and polar, at codon 112 of the SCO2 protein (p.Arg112Gln). This variant is present in population databases (rs376068063, gnomAD 0.01%). This variant has not been reported in the literature in individuals affected with SCO2-related conditions. Advanced modeling of protein sequence and biophysical properties (such as structural, functional, and spatial information, amino acid conservation, physicochemical variation, residue mobility, and thermodynamic stability) performed at Invitae indicates that this missense variant is not expected to disrupt SCO2 protein function. In summary, the available evidence is currently insufficient to determine the role of this variant in disease. Therefore, it has been classified as a Variant of Uncertain Significance.

NM_005138.3(SCO2):c.335G>A (p.Arg112Gln)

Genes: NCAPH2 (non-SMC condensin II complex subunit H2; plus strand), SCO2 (synthesis of cytochrome C oxidase 2; minus strand). Cytogenetic location: 22q13.33.
Variant type: single nucleotide variant.
Coding change: c.335G>A on transcript NM_005138.3 (MANE Select); coding-DNA position 335, G replaced by A.
Protein change: p.Arg112Gln; replaces arginine 112 with glutamine.
Molecular consequence: missense variant. On other transcripts: 3 prime UTR variant (2).
Genome position (GRCh38, 1-based): chr22:50,524,077, C>T on the plus strand (G>A on the coding strand, the complement: SCO2 is on the minus strand). VCF-style: chr22-50524077-C-T. GRCh37 (hg19) VCF-style: chr22-50962506-C-T.
Other names: c.*702C>T (NM_001185011.2, NM_152299.4); c.335G>A, p.Arg112Gln (NM_001169109.2, NM_001169110.1, NM_001169111.2); short protein forms R112Q.
Identifiers: ClinVar variation 2079980 (VCV002079980.4), dbSNP rs376068063, ClinGen allele CA10321230.